The following is an entry in ClinVar:

ClinVar aggregate classification (germline): Uncertain significance (1 of 4 stars; one submission).

gnomAD v4.1: 4 of 1,610,218 alleles (0.00025%); highest among the groups gnomAD compares: Non-Finnish European, 0.00034%; no homozygotes.

Submission:

Labcorp Genetics (formerly Invitae), Labcorp
Classification: Uncertain significance. Last evaluated: 2024-01-25. Review status: criteria provided, single submitter. Criteria: Invitae Variant Classification Sherloc (09022015). Collection method: clinical testing. Allele origin: germline.
Comment: This sequence change replaces glutamine, which is neutral and polar, with histidine, which is basic and polar, at codon 164 of the STEAP3 protein (p.Gln164His). This variant also falls at the last nucleotide of exon 2, which is part of the consensus splice site for this exon. This variant is not present in population databases (gnomAD no frequency). This variant has not been reported in the literature in individuals affected with STEAP3-related conditions. An algorithm developed to predict the effect of missense changes on protein structure and function (PolyPhen-2) suggests that this variant is likely to be tolerated. Variants that disrupt the consensus splice site are a relatively common cause of aberrant splicing (PMID: 17576681, 9536098). Algorithms developed to predict the effect of sequence changes on RNA splicing suggest that this variant may disrupt the consensus splice site. In summary, the available evidence is currently insufficient to determine the role of this variant in disease. Therefore, it has been classified as a Variant of Uncertain Significance.

Literature cited by the submitters: PubMed 17576681; PubMed 9536098.

NM_182915.3(STEAP3):c.522G>C (p.Gln174His)

Genes: STEAP3 (STEAP3 metalloreductase; plus strand), STEAP3-AS1 (STEAP3 antisense RNA 1; minus strand). Cytogenetic location: 2q14.2.
Variant type: single nucleotide variant.
Coding change: c.522G>C on transcript NM_182915.3 (MANE Select); coding-DNA position 522, G replaced by C.
Protein change: p.Gln174His; replaces glutamine 174 with histidine.
Molecular consequence: missense variant. On other transcripts: non-coding transcript variant (1).
Genome position (GRCh38, 1-based): chr2:119,245,988, G>C. VCF-style: chr2-119245988-G-C. GRCh37 (hg19) VCF-style: chr2-120003564-G-C.
Other names: c.492G>C, p.Gln164His (NM_001008410.2, NM_018234.3, NM_138637.3); short protein forms Q164H, Q174H.
Identifiers: ClinVar variation 2824966 (VCV002824966.3), dbSNP rs769652442, ClinGen allele CA348340657.